The following is an entry in ClinVar:

NM_005236.3(ERCC4):c.1493T>C (p.Val498Ala)

Gene: ERCC4 (ERCC excision repair 4, endonuclease catalytic subunit; plus strand). Cytogenetic location: 16p13.12.
Variant type: single nucleotide variant.
Coding change: c.1493T>C on transcript NM_005236.3 (MANE Select); coding-DNA position 1493, T replaced by C.
Protein change: p.Val498Ala; replaces valine 498 with alanine.
Molecular consequence: missense variant.
Genome position (GRCh38, 1-based): chr16:13,935,425, T>C. VCF-style: chr16-13935425-T-C. GRCh37 (hg19) VCF-style: chr16-14029282-T-C.
Other names: short protein forms V498A.
Identifiers: ClinVar variation 1315619 (VCV001315619.6), dbSNP rs373587423, ClinGen allele CA7910479.

ClinVar aggregate classification (germline): Uncertain significance. Review status: criteria provided, multiple submitters, no conflicts (2 of 4 stars). 3 submissions from 3 submitters: Uncertain significance (3). Last evaluated 2025-08-13.

Conditions:
Xeroderma pigmentosum, group F (XPF). Also called: ERCC4-Related Xeroderma Pigmentosum; XERODERMA PIGMENTOSUM VI; XP, GROUP F; XERODERMA PIGMENTOSUM, COMPLEMENTATION GROUP F; XERODERMA PIGMENTOSUM, TYPE F; Xeroderma pigmentosum, type 6. Identifiers: MedGen C0268140, MONDO:0010215, OMIM 278760.
Inborn genetic diseases. Identifiers: MedGen C0950123, MeSH D030342.

Allele frequency attached by ClinVar (database versions not stated): TOPMed below 0.00001; gnomAD 0.00001; gnomAD exomes 0.00001 and 0.00004; ExAC 0.00004; ESP Exome Variant Server 0.00008.
gnomAD v4.1: 22 of 1,613,574 alleles (0.0014%); highest among the groups gnomAD compares: Non-Finnish European, 0.0017%; no homozygotes.

Submissions (3):

Ambry Genetics
Classification: Uncertain significance for Inborn genetic diseases. Last evaluated: 2025-08-13. Review status: criteria provided, single submitter. Criteria: Ambry Variant Classification Scheme 2023. Collection method: clinical testing. Allele origin: germline.

St. Jude Molecular Pathology, St. Jude Children's Research Hospital
Classification: Uncertain significance for Xeroderma pigmentosum, group F. Last evaluated: 2021-12-08. Review status: criteria provided, single submitter. Criteria: St. Jude Assertion Criteria 2020. Collection method: clinical testing. Allele origin: germline.
Comment: The ERCC4 c.1493T>C (p.Val498Ala) missense change has a maximum subpopulation frequency of 0.0079% in gnomAD v2.1.1. Seven of seven in silico tools predict a benign effect of this variant on protein function (BP4), but to our knowledge these predictions have not been confirmed by functional assays. To our knowledge, this variant has not been reported in individuals with Fanconi anemia or Xeroderma pigmentosum. In summary, this variant meets criteria to be classified as of uncertain significance based on the ACMG/AMP criteria: BP4.

GeneDx
Classification: Uncertain significance. Last evaluated: 2019-07-03. Review status: criteria provided, single submitter. Criteria: GeneDx Variant Classification Process June 2021. Collection method: clinical testing. Allele origin: germline. Affected: yes.
Comment: In silico analysis, which includes protein predictors and evolutionary conservation, supports that this variant does not alter protein structure/function; Has not been previously published as pathogenic or benign to our knowledge